The following is an entry in ClinVar:

ClinVar aggregate classification (germline): Conflicting classifications of pathogenicity. Review status: criteria provided, conflicting classifications (1 of 4 stars). 5 submissions from 5 submitters: Uncertain significance (4); Likely benign (1). Last evaluated 2026-08-28.

Conditions:
ALPK3-related disorder. Also called: ALPK3-related condition.
Cardiovascular phenotype. Identifiers: MedGen CN230736.

Allele frequency attached by ClinVar (database versions not stated): gnomAD exomes 0.00005 and 0.00016; TOPMed 0.00005; ExAC 0.00006; gnomAD 0.00006 and 0.00007; ESP Exome Variant Server 0.00015.
gnomAD v4.1: 244 of 1,612,802 alleles (0.015%); highest among the groups gnomAD compares: Non-Finnish European, 0.02%; 1 homozygote.

Submissions (5):

PreventionGenetics, part of Exact Sciences
Classification: Uncertain significance for ALPK3-related condition. Last evaluated: 2026-08-28. Review status: criteria provided, single submitter. Criteria: ACMG Guidelines, 2015. Collection method: clinical testing. Allele origin: germline.
Comment: The ALPK3 c.4592C>T variant is predicted to result in the amino acid substitution p.Ala1531Val. This variant has been reported in an individual with hypertrophic cardiomyopathy who also carried a MYH7 variant (Supplementary File 2, van Lint et al. 2019. PubMed ID: 30847666) . This variant is reported in 0.0098% of alleles in individuals of European (Non-Finnish) descent in gnomAD. At this time, the clinical significance of this variant is uncertain due to the absence of conclusive functional and genetic evidence.

Ambry Genetics
Classification: Likely benign for Cardiovascular phenotype. Last evaluated: 2025-12-09. Review status: criteria provided, single submitter. Criteria: Ambry Variant Classification Scheme 2023. Collection method: clinical testing. Allele origin: germline.

Labcorp Genetics (formerly Invitae), Labcorp
Classification: Uncertain significance. Last evaluated: 2025-10-21. Review status: criteria provided, single submitter. Criteria: Invitae Variant Classification Sherloc (09022015). Collection method: clinical testing. Allele origin: germline.
Comment: This sequence change replaces alanine, which is neutral and non-polar, with valine, which is neutral and non-polar, at codon 1531 of the ALPK3 protein (p.Ala1531Val). This variant is present in population databases (rs140665587, gnomAD 0.009%). This variant has not been reported in the literature in individuals affected with ALPK3-related conditions. ClinVar contains an entry for this variant (Variation ID: 1312469). Invitae Evidence Modeling of protein sequence and biophysical properties (such as structural, functional, and spatial information, amino acid conservation, physicochemical variation, residue mobility, and thermodynamic stability) indicates that this missense variant is not expected to disrupt ALPK3 protein function with a negative predictive value of 80%. In summary, the available evidence is currently insufficient to determine the role of this variant in disease. Therefore, it has been classified as a Variant of Uncertain Significance.

Women's Health and Genetics/Laboratory Corporation of America, LabCorp
Classification: Uncertain significance. Last evaluated: 2025-06-23. Review status: criteria provided, single submitter. Criteria: LabCorp Variant Classification Summary - May 2015. Collection method: clinical testing. Allele origin: germline.
Comment: Variant summary: ALPK3 c.3986C>T (p.Ala1329Val) results in a non-conservative amino acid change in the encoded protein sequence. Algorithms developed to predict the effect of missense changes on protein structure and function are either unavailable or do not agree on the potential impact of this missense change. The variant allele was found at a frequency of 5.2e-05 in 248610 control chromosomes. This frequency is not significantly higher than estimated for a pathogenic variant in ALPK3 causing Cardiomyopathy (5.2e-05 vs 0.0071), allowing no conclusion about variant significance. To our knowledge, no occurrence of c.3986C>T in individuals affected with Cardiomyopathy and no experimental evidence demonstrating its impact on protein function have been reported. ClinVar contains an entry for this variant (Variation ID: 1312469). Based on the evidence outlined above, the variant was classified as uncertain significance.

GeneDx
Classification: Uncertain significance. Last evaluated: 2019-09-23. Review status: criteria provided, single submitter. Criteria: GeneDx Variant Classification Process June 2021. Collection method: clinical testing. Allele origin: germline. Affected: yes.
Comment: Not observed at a significant frequency in large population cohorts (Lek et al., 2016); In silico analysis, which includes protein predictors and evolutionary conservation, supports that this variant does not alter protein structure/function; Has not been previously published as pathogenic or benign to our knowledge

Literature cited by the submitters: PubMed 30847666 (cited by Ambry Genetics).

NM_020778.5(ALPK3):c.3986C>T (p.Ala1329Val)

Gene: ALPK3 (alpha kinase 3; plus strand). Cytogenetic location: 15q25.3.
Variant type: single nucleotide variant.
Coding change: c.3986C>T on transcript NM_020778.5 (MANE Select); coding-DNA position 3986, C replaced by T.
Protein change: p.Ala1329Val; replaces alanine 1329 with valine.
Molecular consequence: missense variant.
Genome position (GRCh38, 1-based): chr15:84,859,796, C>T. VCF-style: chr15-84859796-C-T. GRCh37 (hg19) VCF-style: chr15-85403027-C-T.
Other names: short protein forms A1329V.
Identifiers: ClinVar variation 1312469 (VCV001312469.14), dbSNP rs140665587, ClinGen allele CA7709801.